The following is an entry in ClinVar:

NC_000005.10:g.112707467G>A

Gene: APC (APC regulator of Wnt signaling pathway; plus strand). Cytogenetic location: 5q22.2.
Variant type: single nucleotide variant.
Genome position: GRCh38 VCF-style: chr5-112707467-G-A. GRCh37 (hg19) VCF-style: chr5-112043164-G-A.
Identifiers: ClinVar variation 1464264 (VCV001464264.6), dbSNP rs2149628912, ClinGen allele CA2573138766.

ClinVar aggregate classification (germline): Uncertain significance (1 of 4 stars; one submission).

Conditions:
Familial adenomatous polyposis 1 (FAP1). Also called: FAMILIAL ADENOMATOUS POLYPOSIS 1, ATTENUATED; POLYPOSIS, ADENOMATOUS INTESTINAL. Identifiers: MedGen C2713442, MONDO:0021056, OMIM 175100. Disease mechanism: loss of function.

Submission:

Labcorp Genetics (formerly Invitae), Labcorp
Classification: Uncertain significance for Familial adenomatous polyposis 1. Last evaluated: 2024-02-17. Review status: criteria provided, single submitter. Criteria: Invitae Variant Classification Sherloc (09022015). Collection method: clinical testing. Allele origin: germline.
Comment: This variant occurs in a non-coding region of the APC gene. It does not change the encoded amino acid sequence of the APC protein. This variant is not present in population databases (gnomAD no frequency). This variant has not been reported in the literature in individuals affected with APC-related conditions. Experimental studies and prediction algorithms are not available or were not evaluated, and the functional significance of this variant is currently unknown. In summary, the available evidence is currently insufficient to determine the role of this variant in disease. Therefore, it has been classified as a Variant of Uncertain Significance.